The following is an entry in ClinVar:

ClinVar aggregate classification (germline): Benign (0 of 4 stars; one submission).

Conditions:
JMJD7-PLA2G4B-related disorder. Also called: JMJD7-PLA2G4B-related condition.

Allele frequency attached by ClinVar (database versions not stated): gnomAD exomes 0.00034; 1000 Genomes Project 30x 0.00375; gnomAD 0.00378; 1000 Genomes Project 0.00379; TOPMed 0.00399; ESP Exome Variant Server 0.00415.
gnomAD v4.1: 1,096 of 1,614,052 alleles (0.068%); highest among the groups gnomAD compares: African/African-American, 1.3%; 11 homozygotes.

Submission:

PreventionGenetics, part of Exact Sciences
Classification: Benign for JMJD7-PLA2G4B-related condition. Last evaluated: 2019-06-21. Review status: no assertion criteria provided. Collection method: clinical testing. Allele origin: germline.
Comment: This variant is classified as benign based on ACMG/AMP sequence variant interpretation guidelines (Richards et al. 2015 PMID: 25741868, with internal and published modifications).

NM_005090.4(JMJD7-PLA2G4B):c.2379G>A (p.Thr793=)

Genes: JMJD7-PLA2G4B (JMJD7-PLA2G4B readthrough; plus strand), PLA2G4B (phospholipase A2 group IVB; plus strand). Cytogenetic location: 15q15.1.
Variant type: single nucleotide variant.
Coding change: c.2379G>A on transcript NM_005090.4; coding-DNA position 2379, G replaced by A.
Protein change: p.Thr793=; no amino-acid change (threonine 793 retained).
Molecular consequence: synonymous variant.
Genome position (GRCh38, 1-based): chr15:41,846,288, G>A. VCF-style: chr15-41846288-G-A. GRCh37 (hg19) VCF-style: chr15-42138486-G-A.
Other names: c.1686G>A, p.Thr562= (NM_001114633.2); c.2379G>A, p.Thr793= (NM_001198588.2).
Identifiers: ClinVar variation 3043477 (VCV003043477.2), dbSNP rs138778012, ClinGen allele CA7500223.